The following is an entry in ClinVar:

ClinVar aggregate classification (germline): Uncertain significance (1 of 4 stars; one submission).

Conditions:
Hereditary cancer-predisposing syndrome. Also called: Neoplastic Syndromes, Hereditary; Tumor predisposition; Hereditary Cancer Syndrome; Hereditary neoplastic syndrome. Identifiers: Orphanet 140162, MedGen C0027672, MeSH D009386, MONDO:0015356.

Submission:

Ambry Genetics
Classification: Uncertain significance for Hereditary cancer-predisposing syndrome. Last evaluated: 2022-07-17. Review status: criteria provided, single submitter. Criteria: Ambry Variant Classification Scheme 2023. Collection method: clinical testing. Allele origin: germline.
Comment: The p.H57R variant (also known as c.170A>G), located in coding exon 1 of the TMEM127 gene, results from an A to G substitution at nucleotide position 170. The histidine at codon 57 is replaced by arginine, an amino acid with highly similar properties. This amino acid position is conserved. In addition, this alteration is predicted to be deleterious by in silico analysis. Since supporting evidence is limited at this time, the clinical significance of this alteration remains unclear.

NM_017849.4(TMEM127):c.170A>G (p.His57Arg)

Gene: TMEM127 (transmembrane protein 127; minus strand). Cytogenetic location: 2q11.2.
Variant type: single nucleotide variant.
Coding change: c.170A>G on transcript NM_017849.4 (MANE Select); coding-DNA position 170, A replaced by G.
Protein change: p.His57Arg; replaces histidine 57 with arginine.
Molecular consequence: missense variant.
Genome position (GRCh38, 1-based): chr2:96,265,212, T>C on the plus strand (A>G on the coding strand, the complement: TMEM127 is on the minus strand). VCF-style: chr2-96265212-T-C. GRCh37 (hg19) VCF-style: chr2-96930950-T-C.
Other names: c.170A>G, p.His57Arg (NM_001193304.3); short protein forms H57R.
Identifiers: ClinVar variation 1778516 (VCV001778516.2), dbSNP rs2467285368, ClinGen allele CA347655974.